The following is an entry in ClinVar:

NM_001267550.2(TTN):c.61313T>C (p.Ile20438Thr)

Genes: TTN (titin; minus strand), TTN-AS1 (TTN antisense RNA 1; plus strand). Cytogenetic location: 2q31.2.
Variant type: single nucleotide variant.
Coding change: c.61313T>C on transcript NM_001267550.2 (MANE Select); coding-DNA position 61313, T replaced by C.
Protein change: p.Ile20438Thr; replaces isoleucine 20438 with threonine.
Molecular consequence: missense variant.
Genome position (GRCh38, 1-based): chr2:178,590,412, A>G on the plus strand (T>C on the coding strand, the complement: TTN is on the minus strand). VCF-style: chr2-178590412-A-G. GRCh37 (hg19) VCF-style: chr2-179455139-A-G.
Other names: c.56390T>C, p.Ile18797Thr (NM_001256850.1); c.34118T>C, p.Ile11373Thr (NM_003319.4); c.53609T>C, p.Ile17870Thr (NM_133378.4); c.34493T>C, p.Ile11498Thr (NM_133432.3); c.34694T>C, p.Ile11565Thr (NM_133437.4); short protein forms I11373T, I11498T, I11565T, I17870T, I18797T, I20438T.
Identifiers: ClinVar variation 3602984 (VCV003602984.1).
Genomic context (GRCh38, chr2:178,590,412, plus strand): 5'-GGCTCACCCTCTCCTACAATATTAGCTGCCTTTATACGGAATCTGTACTCATTTCCTTCA[A>G]TTAGTCCAGGTACCCTAAAGGCACATTGCCTAATGAGTTCATCTTTATTAATCCTGTTCC-3'
Protein context (NP_001254479.2, residues 20428-20448): RQCAFRVPGL[Ile20438Thr]EGNEYRFRIK

ClinVar aggregate classification (germline): Uncertain significance (1 of 4 stars; one submission).

gnomAD v4.1: 13 of 1,609,460 alleles (0.00081%); highest among the groups gnomAD compares: East Asian, 0.0067%; 1 homozygote.

Submission:

GeneDx
Classification: Uncertain significance. Last evaluated: 2024-08-06. Review status: criteria provided, single submitter. Criteria: GeneDx Variant Classification Process June 2021. Collection method: clinical testing. Allele origin: germline. Affected: yes.
Comment: Missense variant in a gene in which most reported pathogenic variants are truncating/loss of function; Has not been previously published as pathogenic or benign to our knowledge